The following is an entry in ClinVar:

ClinVar aggregate classification (germline): Uncertain significance (1 of 4 stars; one submission).

gnomAD v4.1: 1 of 1,608,660 alleles (0.000062%); highest among the groups gnomAD compares: African/African-American, 0.0013%; no homozygotes.

Submission:

GeneDx
Classification: Uncertain significance. Last evaluated: 2024-12-17. Review status: criteria provided, single submitter. Criteria: GeneDx Variant Classification Process June 2021. Collection method: clinical testing. Allele origin: germline. Affected: yes.
Comment: Not observed at significant frequency in large population cohorts (gnomAD); In silico analysis indicates that this missense variant does not alter protein structure/function; Has not been previously published as pathogenic or benign to our knowledge

NM_022124.6(CDH23):c.1649A>G (p.Asn550Ser)

Gene: CDH23 (cadherin related 23; plus strand). Cytogenetic location: 10q22.1.
Variant type: single nucleotide variant.
Coding change: c.1649A>G on transcript NM_022124.6 (MANE Select); coding-DNA position 1649, A replaced by G.
Protein change: p.Asn550Ser; replaces asparagine 550 with serine.
Molecular consequence: missense variant.
Genome position (GRCh38, 1-based): chr10:71,677,590, A>G. VCF-style: chr10-71677590-A-G. GRCh37 (hg19) VCF-style: chr10-73437347-A-G.
Other names: c.1649A>G, p.Asn550Ser (NM_001171930.2, NM_001171931.2); short protein forms N550S.
Identifiers: ClinVar variation 3906475 (VCV003906475.1).